The following is an entry in ClinVar:

NM_004064.5(CDKN1B):c.70C>A (p.Pro24Thr)

Gene: CDKN1B (cyclin dependent kinase inhibitor 1B; plus strand). Cytogenetic location: 12p13.1.
Variant type: single nucleotide variant.
Coding change: c.70C>A on transcript NM_004064.5 (MANE Select); coding-DNA position 70, C replaced by A.
Protein change: p.Pro24Thr; replaces proline 24 with threonine.
Molecular consequence: missense variant.
Genome position (GRCh38, 1-based): chr12:12,717,909, C>A. VCF-style: chr12-12717909-C-A. GRCh37 (hg19) VCF-style: chr12-12870843-C-A.
Other names: short protein forms P24T.
Identifiers: ClinVar variation 2736795 (VCV002736795.3), dbSNP rs2136355480, ClinGen allele CA383968312.

ClinVar aggregate classification (germline): Uncertain significance (1 of 4 stars; one submission).

Conditions:
Multiple endocrine neoplasia type 4. Also called: MULTIPLE ENDOCRINE NEOPLASIA, TYPE IV. Identifiers: Orphanet 276152, MedGen C1970712, MONDO:0012552, OMIM 610755.

Submission:

Labcorp Genetics (formerly Invitae), Labcorp
Classification: Uncertain significance for Multiple endocrine neoplasia type 4. Last evaluated: 2023-10-08. Review status: criteria provided, single submitter. Criteria: Invitae Variant Classification Sherloc (09022015). Collection method: clinical testing. Allele origin: germline.
Comment: This sequence change replaces proline, which is neutral and non-polar, with threonine, which is neutral and polar, at codon 24 of the CDKN1B protein (p.Pro24Thr). This variant is not present in population databases (gnomAD no frequency). This variant has not been reported in the literature in individuals affected with CDKN1B-related conditions. An algorithm developed to predict the effect of missense changes on protein structure and function (PolyPhen-2) suggests that this variant is likely to be disruptive. In summary, the available evidence is currently insufficient to determine the role of this variant in disease. Therefore, it has been classified as a Variant of Uncertain Significance.